The following is an entry in ClinVar:

ClinVar aggregate classification (germline): Uncertain significance (1 of 4 stars; one submission).

Submission:

Labcorp Genetics (formerly Invitae), Labcorp
Classification: Uncertain significance. Last evaluated: 2025-02-19. Review status: criteria provided, single submitter. Criteria: Invitae Variant Classification Sherloc (09022015). Collection method: clinical testing. Allele origin: germline.
Comment: This sequence change replaces isoleucine, which is neutral and non-polar, with threonine, which is neutral and polar, at codon 162 of the COL4A1 protein (p.Ile162Thr). This variant is present in population databases (no rsID available, gnomAD 0.0009%). This variant has not been reported in the literature in individuals affected with COL4A1-related conditions. Invitae Evidence Modeling of protein sequence and biophysical properties (such as structural, functional, and spatial information, amino acid conservation, physicochemical variation, residue mobility, and thermodynamic stability) indicates that this missense variant is not expected to disrupt COL4A1 protein function with a negative predictive value of 95%. In summary, the available evidence is currently insufficient to determine the role of this variant in disease. Therefore, it has been classified as a Variant of Uncertain Significance.

NM_001845.6(COL4A1):c.485T>C (p.Ile162Thr)

Gene: COL4A1 (collagen type IV alpha 1 chain; minus strand). Cytogenetic location: 13q34.
Variant type: single nucleotide variant.
Coding change: c.485T>C on transcript NM_001845.6 (MANE Select); coding-DNA position 485, T replaced by C.
Protein change: p.Ile162Thr; replaces isoleucine 162 with threonine.
Molecular consequence: missense variant.
Genome position (GRCh38, 1-based): chr13:110,210,196, A>G on the plus strand (T>C on the coding strand, the complement: COL4A1 is on the minus strand). VCF-style: chr13-110210196-A-G. GRCh37 (hg19) VCF-style: chr13-110862543-A-G.
Other names: c.485T>C, p.Ile162Thr (NM_001303110.2); short protein forms I162T.
Identifiers: ClinVar variation 3671198 (VCV003671198.2).
Genomic context (GRCh38, chr13:110,210,196, plus strand): 5'-CCTGGGATTCCGGGAAATCCTCTTTCACCTTTCAACAGCATCCCGGGCACATGGCCAAGT[A>G]TCTCACCTGGATCACCCTAGAGGATGAAGAAAGAAAATAGAAAGTTGCAAATATCGACAT-3'
Protein context (NP_001836.3, residues 152-172): LPGMKGDPGE[Ile162Thr]LGHVPGMLLK